The following is an entry in ClinVar:

ClinVar aggregate classification (germline): Pathogenic/Likely pathogenic. Review status: criteria provided, multiple submitters, no conflicts (2 of 4 stars). 15 submissions from 15 submitters: Pathogenic (14); Likely pathogenic (1). Last evaluated 2026-01-22.

Conditions:
Leber congenital amaurosis (LCA). Also called: Leber's amaurosis. Identifiers: Orphanet 65, MedGen C0339527, MeSH D057130, MONDO:0018998.
Joubert syndrome. Also called: JOUBERT-BOLTSHAUSER SYNDROME; Familial aplasia of the vermis. Identifiers: Orphanet 475, MedGen C5979921, MONDO:0018772.
Meckel-Gruber syndrome. Also called: DYSENCEPHALIA SPLANCHNOCYSTICA; GRUBER SYNDROME; Dysencephalia splachnocystica. Identifiers: Orphanet 564, MedGen C0265215, MONDO:0018921.
Nephronophthisis. Also called: Juvenile Nephronophthisis. Identifiers: Orphanet 655, MedGen C0687120, MONDO:0019005, HP:0000090.
CEP290-related disorder. Also called: CEP290-related disorders; CEP290-related condition. Identifiers: MedGen CN239314.
Senior-Loken syndrome 6 (SLSN6). Identifiers: Orphanet 3156, MedGen C1857779, MONDO:0012433, OMIM 610189.
Meckel syndrome, type 4 (MKS4). Also called: MECKEL-GRUBER SYNDROME, TYPE 4. Identifiers: Orphanet 564, MedGen C1970161, MONDO:0012626, OMIM 611134.
Leber congenital amaurosis 10 (LCA10). Identifiers: Orphanet 65, MedGen C1857821, MONDO:0012723, OMIM 611755.
Joubert syndrome 5 (JBTS5). Identifiers: Orphanet 2318, MedGen C1857780, MONDO:0012432, OMIM 610188.
Bardet-Biedl syndrome 14 (BBS14). Identifiers: Orphanet 110, MedGen C2673874, MONDO:0014442, OMIM 615991.
Abnormality of prenatal development or birth. Identifiers: MedGen C4025797, HP:0001197.
Joubert syndrome 1 (JBTS1). Also called: CEREBELLOPARENCHYMAL DISORDER IV; Cerebellooculorenal syndrome 1. Identifiers: MedGen C4551568, MONDO:0008944, OMIM 213300.

Submissions (15):

Natera, Inc.
Classification: Pathogenic for Leber congenital amaurosis. Last evaluated: 2026-01-22. Review status: criteria provided, single submitter. Criteria: Natera Variant Classification Schema (03/2026). Collection method: clinical testing. Allele origin: germline.
Comment: The c.1666dupA variant in CEP290 is a frameshift variant predicted to shift the reading frame beginning at codon 556 and leads to a stop codon 20 codons downstream. This variant is expected to result in nonsense mediated decay, truncation, or a dysfunctional protein product. This variant is rare in the general population with a frequency below the threshold expected for the associated phenotype(s). This variant has been observed in one or more individuals affected with the associated recessive disease, as either homozygous or compound heterozygous with a second variant (PMID: 23847139). Given the available evidence, this variant is classified as Pathogenic.

Labcorp Genetics (formerly Invitae), Labcorp
Classification: Pathogenic for Joubert syndrome; Meckel-Gruber syndrome; Nephronophthisis. Last evaluated: 2026-01-12. Review status: criteria provided, single submitter. Criteria: Invitae Variant Classification Sherloc (09022015). Collection method: clinical testing. Allele origin: germline.
Comment: This sequence change creates a premature translational stop signal (p.Ile556Asnfs*20) in the CEP290 gene. It is expected to result in an absent or disrupted protein product. Loss-of-function variants in CEP290 are known to be pathogenic (PMID: 16909394, 17345604, 20690115). The frequency data for this variant in the population databases is considered unreliable, as metrics indicate poor data quality at this position in the gnomAD database. This premature translational stop signal has been observed in individual(s) with Leber congenital amaurosis or Joubert syndrome (PMID: 23847139, 26092869, 29146704). ClinVar contains an entry for this variant (Variation ID: 217623). For these reasons, this variant has been classified as Pathogenic.

3billion
Classification: Pathogenic for CEP290-related disorder. Last evaluated: 2025-04-25. Review status: criteria provided, single submitter. Criteria: ACMG Guidelines, 2015. Collection method: clinical testing. Allele origin: germline. Affected: yes.
Comment: The variant is observed at an extremely low frequency in the gnomAD v4.1.0 dataset (total allele frequency: 0.059%). Predicted Consequence/Location: Frameshift: predicted to result in a loss or disruption of normal protein function through nonsense-mediated decay (NMD) or protein truncation. Multiple pathogenic variants are reported downstream of the variant. The variant has been reported at least twice as pathogenic with clinical assertions and evidence for the classification (ClinVar ID: VCV000217623 / PMID: 23847139). Therefore, this variant is classified as Pathogenic according to the recommendation of ACMG/AMP guideline.

SingHealth Duke-NUS Institute of Precision Medicine
Classification: Likely pathogenic for Joubert syndrome 5. Last evaluated: 2025-02-05. Review status: criteria provided, single submitter. Criteria: PRISM ACMG Classification Criteria. Collection method: clinical testing. Allele origin: germline. Affected: yes.
Comment: Variant is predicted to cause nonsense-mediated decay in a gene where LOF is a known cause of pathogenicity (PVS1).

PreventionGenetics, part of Exact Sciences
Classification: Pathogenic for CEP290-related condition. Last evaluated: 2025-01-29. Review status: criteria provided, single submitter. Criteria: ACMG Guidelines, 2015. Collection method: clinical testing. Allele origin: germline.
Comment: The CEP290 c.1666dupA variant is predicted to result in a frameshift and premature protein termination (p.Ile556Asnfs*20). This variant has been reported in the compound heterozygous state in multiple individuals with a CEP290-associated disease (see for examples: reported as c.1667_1668insA, Wang et al. 2013. PubMed ID: 23847139; Table S5, Bachmann-Gagescu et al. 2015. PubMed ID: 26092869; Table S1; Fleming et al. 2017. PubMed ID: 29146704; Table S1, Lin et al. 2024. PubMed ID: 38219857). This variant is present in 0.26% of alleles in individuals of South Asian descent and with a global allele frequency of 0.16% in gnomAD, indicating it is relatively common. Frameshift variants in CEP290 are an established mechanism of disease. This variant is interpreted as pathogenic.

Blueprint Genetics
Classification: Pathogenic for CEP290-related disorders. Last evaluated: 2024-11-27. Review status: criteria provided, single submitter. Criteria: ACMG Guidelines, 2015. Collection method: clinical testing. Allele origin: de novo. Affected: yes. Observed: 5 variant alleles.

Dasa
Classification: Pathogenic. Last evaluated: 2024-07-19. Review status: criteria provided, single submitter. Criteria: DASA Assertion Criteria. Collection method: clinical testing. Allele origin: germline.
Comment: NM_025114.4(CEP290):c.1666dup (p.Ile556Asnfs*20) introduces a premature termination codon predicted to result in loss of normal protein function. Loss-of-function is an established mechanism of disease for this gene. This variant has been recurrently observed in individuals with related phenotype (PMID: 34196201; PMID: 34809537). The variant is present at low frequency in population datasets. Based on the available data, this variant is classified as pathogenic.

Baylor Genetics
Classification: Pathogenic for Bardet-Biedl syndrome 14. Last evaluated: 2024-03-21. Review status: criteria provided, single submitter. Criteria: ACMG Guidelines, 2015. Collection method: clinical testing. Allele origin: unknown.

Fulgent Genetics
Classification: Pathogenic for Joubert syndrome 5; Senior-Loken syndrome 6; Meckel syndrome, type 4; Leber congenital amaurosis 10; Bardet-Biedl syndrome 14. Last evaluated: 2024-03-01. Review status: criteria provided, single submitter. Criteria: ACMG Guidelines, 2015. Collection method: clinical testing. Allele origin: germline.

Women's Health and Genetics/Laboratory Corporation of America, LabCorp
Classification: Pathogenic for CEP290-related disorder. Last evaluated: 2021-09-14. Review status: criteria provided, single submitter. Criteria: LabCorp Variant Classification Summary - May 2015. Collection method: clinical testing. Allele origin: germline.
Comment: Variant summary: CEP290 c.1666dupA (p.Ile556AsnfsX20) results in a premature termination codon, predicted to cause a truncation of the encoded protein or absence of the protein due to nonsense mediated decay, which are commonly known mechanisms for disease. Truncations downstream of this position have been classified as pathogenic by our laboratory. The variant allele was found at a frequency of 0.0018 in 158916 control chromosomes (gnomAD and publication data). c.1666dupA has been reported in the literature in individuals affected with Leber congenital amaurosis and Joubert syndrome(Wang_2013, Bachmann-Gagescu_2015, Fleming_2017, Xu_2019). These data indicate that the variant is likely to be associated with disease. To our knowledge, no experimental evidence demonstrating an impact on protein function has been reported. Four ClinVar submitters (evaluation after 2014) cite the variant as pathogenic (n=3) and likely pathogenic (n=1). Based on the evidence outlined above, the variant was classified as pathogenic.

Medical Genetics Center, Maternal and Child Health Hospital of Hubei Province
Classification: Pathogenic for Joubert syndrome 5. Last evaluated: 2021-08-31. Review status: criteria provided, single submitter. Criteria: ACMG Guidelines, 2015. Collection method: clinical testing. Allele origin: maternal. Affected: yes.

Kariminejad - Najmabadi Pathology & Genetics Center
Classification: Pathogenic for Abnormality of prenatal development or birth. Last evaluated: 2021-07-10. Review status: criteria provided, single submitter. Criteria: ACMG Guidelines, 2015. Collection method: clinical testing. Allele origin: germline.

CeGaT Center for Human Genetics Tuebingen
Classification: Pathogenic. Last evaluated: 2020-08-01. Review status: criteria provided, single submitter. Criteria: CeGaT Center For Human Genetics Tuebingen Variant Classification Criteria Version 2. Collection method: clinical testing. Allele origin: germline. Affected: yes. Observed: 2 variant alleles.

Mendelics
Classification: Pathogenic for Joubert syndrome 1. Last evaluated: 2019-05-28. Review status: criteria provided, single submitter. Criteria: Mendelics Assertion Criteria 2017. Collection method: clinical testing. Allele origin: unknown.

UW Hindbrain Malformation Research Program, University of Washington
Classification: Pathogenic for Joubert syndrome 5. Last evaluated: 2015-02-23. Review status: criteria provided, single submitter. Criteria: Bachmann-Gagescu et al. (J Med Genet. 2015). Collection method: research. Allele origin: unknown. Affected: yes.

Literature cited by the submitters: PubMed 23847139 (cited by 5 submitters); PubMed 16909394 (cited by Labcorp Genetics (formerly Invitae), Labcorp); PubMed 17345604 (cited by Labcorp Genetics (formerly Invitae), Labcorp); PubMed 20690115 (cited by Labcorp Genetics (formerly Invitae), Labcorp); PubMed 26092869 (cited by 3 submitters); PubMed 29146704 (cited by 3 submitters); PubMed 34196201 (cited by Dasa); PubMed 34809537 (cited by Dasa); PubMed 31630094 (cited by Women's Health and Genetics/Laboratory Corporation of America, LabCorp and Medical Genetics Center, Maternal and Child Health Hospital of Hubei Province); PubMed 31054281 (cited by Medical Genetics Center, Maternal and Child Health Hospital of Hubei Province).

NM_025114.4(CEP290):c.1666dup (p.Ile556fs)

Gene: CEP290 (centrosomal protein 290; minus strand). Cytogenetic location: 12q21.32.
Variant type: Duplication.
Coding change: c.1666dup on transcript NM_025114.4 (MANE Select); coding-DNA position 1666, one base duplicated (A; older notation c.1666dupA).
Protein change: p.Ile556fs; shifts the reading frame from isoleucine 556.
Molecular consequence: frameshift variant.
Genome position (GRCh38, 1-based): chr12:88,118,528, T duplicated on the plus strand (A on the coding strand, the reverse complement: CEP290 is on the minus strand); the first of 10 consecutive T bases (chr12:88,118,528-88,118,537); duplicating any one gives the same sequence. VCF-style (leftmost placement, unchanged base first): chr12-88118527-A-AT. GRCh37 (hg19) VCF-style: chr12-88512304-A-AT.
Other names: c.1666dupA (NM_025114.3, NM_025114.4); short protein forms I556fs.
Identifiers: ClinVar variation 217623 (VCV000217623.74), dbSNP rs727503855, ClinGen allele CA277788.